The following is an entry in ClinVar:

NM_000535.7(PMS2):c.2573T>C (p.Val858Ala)

Gene: PMS2 (PMS1 homolog 2, mismatch repair system component; minus strand). Cytogenetic location: 7p22.1.
Variant type: single nucleotide variant.
Coding change: c.2573T>C on transcript NM_000535.7 (MANE Select); coding-DNA position 2573, T replaced by C.
Protein change: p.Val858Ala; replaces valine 858 with alanine.
Molecular consequence: missense variant. On other transcripts: non-coding transcript variant (1).
Genome position (GRCh38, 1-based): chr7:5,973,415, A>G on the plus strand (T>C on the coding strand, the complement: PMS2 is on the minus strand). VCF-style: chr7-5973415-A-G. GRCh37 (hg19) VCF-style: chr7-6013046-A-G.
Other names: c.2168T>C, p.Val723Ala (NM_001018040.1, NM_001322003.2, NM_001322004.2 and 12 more transcripts); c.2417T>C, p.Val806Ala (NM_001322006.2); c.2255T>C, p.Val752Ala (NM_001322007.2, NM_001322008.2, NM_001406883.1); c.2201T>C, p.Val734Ala (NM_001322009.2, NM_001406887.1, NM_001406888.1); c.2012T>C, p.Val671Ala (NM_001322010.2, NM_001406906.1, NM_001406907.1); c.1640T>C, p.Val547Ala (NM_001322011.2, NM_001322012.2); c.2000T>C, p.Val667Ala (NM_001322013.2, NM_001406908.1, NM_001406909.1); c.2606T>C, p.Val869Ala (NM_001322014.2); and 20 more; short protein forms V457A, V547A, V601A, V619A, V667A, V671A, V687A, V696A.
Identifiers: ClinVar variation 3232021 (VCV003232021.2), dbSNP rs2128656764, ClinGen allele CA366734739.
Genomic context (GRCh38, chr7:5,973,415, plus strand): 5'-TAAAAATCTGCGATAAAACCAATTATTCCATACAGTGACTACGGTCAGTTCTGAGAAATG[A>G]CACCCAGGTTGGCGATGTGTCTCATGGTTGGCCTTCCATGGGGACAGTTCCAGGGGTGGT-3'
Protein context (NP_000526.2, residues 848-862): PTMRHIANLG[Val858Ala]ISQN

ClinVar aggregate classification (germline): Uncertain significance. Review status: criteria provided, multiple submitters, no conflicts (2 of 4 stars). 2 submissions from 2 submitters: Uncertain significance (2). Last evaluated 2023-03-09.

Conditions:
Mismatch repair cancer syndrome 4. Identifiers: MedGen C5436817, MONDO:0030843, OMIM 619101.
Hereditary cancer-predisposing syndrome. Also called: Neoplastic Syndromes, Hereditary; Tumor predisposition; Hereditary neoplastic syndrome; Hereditary Cancer Syndrome. Identifiers: Orphanet 140162, MedGen C0027672, MeSH D009386, MONDO:0015356.

Submissions (2):

Ambry Genetics
Classification: Uncertain significance for Hereditary cancer-predisposing syndrome. Last evaluated: 2023-03-09. Review status: criteria provided, single submitter. Criteria: Ambry Variant Classification Scheme 2023. Collection method: clinical testing. Allele origin: germline.
Comment: The p.V858A variant (also known as c.2573T>C), located in coding exon 15 of the PMS2 gene, results from a T to C substitution at nucleotide position 2573. The valine at codon 858 is replaced by alanine, an amino acid with similar properties. This amino acid position is conserved. In addition, this alteration is predicted to be tolerated by in silico analysis. Since supporting evidence is limited at this time, the clinical significance of this alteration remains unclear.

Department of Pathology and Laboratory Medicine, Sinai Health System
Classification: Uncertain significance for Mismatch repair cancer syndrome 4. Last evaluated: 2021-08-30. Review status: criteria provided, single submitter. Criteria: ACMG Guidelines, 2015. Collection method: clinical testing. Allele origin: germline. Affected: yes.